The following is an entry in ClinVar:

NM_000264.5(PTCH1):c.3322A>G (p.Ile1108Val)

Gene: PTCH1 (patched 1; minus strand). Cytogenetic location: 9q22.32.
Variant type: single nucleotide variant.
Coding change: c.3322A>G on transcript NM_000264.5 (MANE Select); coding-DNA position 3322, A replaced by G.
Protein change: p.Ile1108Val; replaces isoleucine 1108 with valine.
Molecular consequence: missense variant. On other transcripts: non-coding transcript variant (1).
Genome position (GRCh38, 1-based): chr9:95,453,605, T>C on the plus strand (A>G on the coding strand, the complement: PTCH1 is on the minus strand). VCF-style: chr9-95453605-T-C. GRCh37 (hg19) VCF-style: chr9-98215887-T-C.
Other names: c.3124A>G, p.Ile1042Val (NM_001083602.3); c.3319A>G, p.Ile1107Val (NM_001083603.3); c.2869A>G, p.Ile957Val (NM_001083604.3, NM_001083605.3, NM_001083606.3 and 1 more transcripts); c.3166A>G, p.Ile1056Val (NM_001354918.2); short protein forms I1108V, I1042V, I1056V, I957V, I1107V.
Identifiers: ClinVar variation 409153 (VCV000409153.14), dbSNP rs866037881, ClinGen allele CA16612665.

ClinVar aggregate classification (germline): Conflicting classifications of pathogenicity. Review status: criteria provided, conflicting classifications (1 of 4 stars). 2 submissions from 2 submitters: Uncertain significance (1); Benign (1). Last evaluated 2024-09-03.

Conditions:
Gorlin syndrome. Also called: Nevoid Basal Cell Carcinoma Syndrome; Basal cell nevus syndrome. Identifiers: Orphanet 377, MedGen C0004779, MONDO:0007187.
Hereditary cancer-predisposing syndrome. Also called: Hereditary neoplastic syndrome; Neoplastic Syndromes, Hereditary; Tumor predisposition; Hereditary Cancer Syndrome. Identifiers: Orphanet 140162, MedGen C0027672, MeSH D009386, MONDO:0015356.

Allele frequency attached by ClinVar (database versions not stated): gnomAD exomes below 0.00001; TOPMed below 0.00001; gnomAD 0.00001.
gnomAD v4.1: 2 of 1,613,778 alleles (0.00012%); highest among the groups gnomAD compares: African/African-American, 0.0013%; no homozygotes.

Submissions (2):

Labcorp Genetics (formerly Invitae), Labcorp
Classification: Benign for Gorlin syndrome. Last evaluated: 2024-09-03. Review status: criteria provided, single submitter. Criteria: Invitae Variant Classification Sherloc (09022015). Collection method: clinical testing. Allele origin: germline.

Ambry Genetics
Classification: Uncertain significance for Hereditary cancer-predisposing syndrome. Last evaluated: 2024-01-29. Review status: criteria provided, single submitter. Criteria: Ambry Variant Classification Scheme 2023. Collection method: clinical testing. Allele origin: germline.
Comment: The p.I1108V variant (also known as c.3322A>G), located in coding exon 20 of the PTCH1 gene, results from an A to G substitution at nucleotide position 3322. The isoleucine at codon 1108 is replaced by valine, an amino acid with highly similar properties. This amino acid position is conserved. In addition, the in silico prediction for this alteration is inconclusive. Based on the available evidence, the clinical significance of this alteration remains unclear.